The following is an entry in ClinVar:

NM_001370785.2(LRRC7):c.2862G>A (p.Pro954=)

Genes: LRRC7 (leucine rich repeat containing 7; plus strand), LRRC7-AS1 (LRRC7 antisense RNA 1; minus strand). Cytogenetic location: 1p31.1.
Variant type: single nucleotide variant.
Coding change: c.2862G>A on transcript NM_001370785.2 (MANE Select); coding-DNA position 2862, G replaced by A.
Protein change: p.Pro954=; no amino-acid change (proline 954 retained).
Molecular consequence: synonymous variant. On other transcripts: non-coding transcript variant (1).
Genome position (GRCh38, 1-based): chr1:70,038,686, G>A. VCF-style: chr1-70038686-G-A. GRCh37 (hg19) VCF-style: chr1-70504369-G-A.
Other names: c.2763G>A, p.Pro921= (NM_001330635.3, NM_001366841.1); c.2865G>A, p.Pro955= (NM_001350216.3); c.2862G>A, p.Pro954= (NM_001366838.3); c.2703G>A, p.Pro901= (NM_001366839.3).
Identifiers: ClinVar variation 3905006 (VCV003905006.10).

ClinVar aggregate classification (germline): Likely benign (1 of 4 stars; one submission).

gnomAD v4.1: 16 of 1,613,978 alleles (0.00099%); highest among the groups gnomAD compares: Admixed American, 0.0017%; 1 homozygote.

Submission:

CeGaT Center for Human Genetics Tuebingen
Classification: Likely benign. Last evaluated: 2025-06-01. Review status: criteria provided, single submitter. Criteria: CeGaT Center For Human Genetics Tuebingen Variant Classification Criteria Version 2. Collection method: clinical testing. Allele origin: germline. Affected: yes. Observed: 1 variant allele.
Comment: LRRC7: BP4, BP7